The following is an entry in ClinVar:

NM_003872.3(NRP2):c.1988A>C (p.Lys663Thr)

Genes: NRP2 (neuropilin 2; plus strand), LOC126806481 (CDK7 strongly-dependent group 2 enhancer GRCh37_chr2:206617009-206618208; plus strand). Cytogenetic location: 2q33.3.
Variant type: single nucleotide variant.
Coding change: c.1988A>C on transcript NM_003872.3 (MANE Select); coding-DNA position 1988, A replaced by C.
Protein change: p.Lys663Thr; replaces lysine 663 with threonine.
Molecular consequence: missense variant.
Genome position (GRCh38, 1-based): chr2:205,752,919, A>C. VCF-style: chr2-205752919-A-C. GRCh37 (hg19) VCF-style: chr2-206617643-A-C.
Other names: c.1988A>C, p.Lys663Thr (NM_018534.4, NM_201266.2, NM_201267.2 and 1 more transcripts); short protein forms K663T.
Identifiers: ClinVar variation 4999667 (VCV004999667.1).
Genomic context (GRCh38, chr2:205,752,919, plus strand): 5'-GATTCAATTGCAACTTCGATTTCCTCGAGGAGCCCTGTGGTTGGATGTATGACCATGCCA[A>C]GTGGCTCCGGACCACCTGGGCCAGCAGCTCCAGCCCAAACGACCGGACGTTTCCAGGTAA-3'
Protein context (NP_003863.2, residues 653-673): EPCGWMYDHA[Lys663Thr]WLRTTWASSS

ClinVar aggregate classification (germline): Uncertain significance (1 of 4 stars; one submission).

Conditions:
NRP2-related disorder. Also called: NRP2-related condition.

Submission:

PreventionGenetics, part of Exact Sciences
Classification: Uncertain significance for NRP2-related condition. Last evaluated: 2025-06-26. Review status: criteria provided, single submitter. Criteria: ACMG Guidelines, 2015. Collection method: clinical testing. Allele origin: germline.
Comment: The NRP2 c.1988A>C variant is predicted to result in the amino acid substitution p.Lys663Thr. To our knowledge, this variant has not been reported in the literature or in a large population database (gnomAD), indicating this variant is rare. At this time, the clinical significance of this variant is uncertain due to the absence of conclusive functional and genetic evidence.